The following is an entry in ClinVar:

ClinVar aggregate classification (germline): Uncertain significance (1 of 4 stars; one submission).

Allele frequency attached by ClinVar (database versions not stated): gnomAD exomes below 0.00001; TOPMed below 0.00001; gnomAD 0.00001.
gnomAD v4.1: 9 of 1,614,036 alleles (0.00056%); highest among the groups gnomAD compares: African/African-American, 0.0013%; no homozygotes.

Submission:

Labcorp Genetics (formerly Invitae), Labcorp
Classification: Uncertain significance. Last evaluated: 2022-09-14. Review status: criteria provided, single submitter. Criteria: Invitae Variant Classification Sherloc (09022015). Collection method: clinical testing. Allele origin: germline.
Comment: In summary, the available evidence is currently insufficient to determine the role of this variant in disease. Therefore, it has been classified as a Variant of Uncertain Significance. Algorithms developed to predict the effect of missense changes on protein structure and function are either unavailable or do not agree on the potential impact of this missense change (SIFT: "Tolerated"; PolyPhen-2: "Probably Damaging"; Align-GVGD: "Class C0"). This sequence change replaces threonine, which is neutral and polar, with isoleucine, which is neutral and non-polar, at codon 300 of the MYCN protein (p.Thr300Ile). This variant is present in population databases (no rsID available, gnomAD 0.006%). This variant has not been reported in the literature in individuals affected with MYCN-related conditions.

NM_005378.6(MYCN):c.899C>T (p.Thr300Ile)

Gene: MYCN (MYCN proto-oncogene, bHLH transcription factor; plus strand). Cytogenetic location: 2p24.3.
Variant type: single nucleotide variant.
Coding change: c.899C>T on transcript NM_005378.6 (MANE Select); coding-DNA position 899, C replaced by T.
Protein change: p.Thr300Ile; replaces threonine 300 with isoleucine.
Molecular consequence: missense variant. On other transcripts: 3 prime UTR variant (1).
Genome position (GRCh38, 1-based): chr2:15,945,601, C>T. VCF-style: chr2-15945601-C-T. GRCh37 (hg19) VCF-style: chr2-16085723-C-T.
Other names: c.899C>T, p.Thr300Ile (NM_001293228.2); c.266C>T, p.Thr89Ile (NM_001293231.2); c.*834C>T (NM_001293233.2); short protein forms T300I, T89I.
Identifiers: ClinVar variation 1955185 (VCV001955185.5), dbSNP rs1414932356, ClinGen allele CA16040252.